The following is an entry in ClinVar:

ClinVar aggregate classification (germline): Likely pathogenic (1 of 4 stars; one submission).

Conditions:
PAX9-related disorder. Also called: PAX9-related condition.

Submission:

PreventionGenetics, part of Exact Sciences
Classification: Likely pathogenic for PAX9-related condition. Last evaluated: 2025-01-31. Review status: criteria provided, single submitter. Criteria: ACMG Guidelines, 2015. Collection method: clinical testing. Allele origin: germline.
Comment: The PAX9 c.771+3dupG variant is predicted to result in an intronic duplication. This variant is predicted to decrease the strength of the canonical splice donor site (SpliceAI, Jaganathan et al. 2019. PubMed ID: 30661751). To our knowledge, this variant has not been reported in the literature or in a large population database (gnomAD), indicating this variant is rare. A different variant (c.771+4A>G) affecting the same splice site has been reported in three individuals with tooth agenesis from a single family, and was found to result in two aberrant transcripts with frameshifts via an in vitro minigene splicing assay (Chu et al. 2023. PubMed ID: 37005710). The c.771+3dupG variant is interpreted as likely pathogenic.

NM_001372076.1(PAX9):c.771+3dup

Gene: PAX9 (paired box 9; plus strand). Cytogenetic location: 14q13.3.
Variant type: Duplication.
Coding change: c.771+3dup on transcript NM_001372076.1 (MANE Select); 3 bases into the intron after coding-DNA position 771, one base duplicated (G; older notation c.771+3dupG).
Molecular consequence: intron variant.
Genome position (GRCh38, 1-based): chr14:36,666,604, G duplicated. VCF-style (leftmost placement, unchanged base first): chr14-36666603-T-TG. GRCh37 (hg19) VCF-style: chr14-37135808-T-TG.
Other names: c.771+3dup (NM_006194.4).
Identifiers: ClinVar variation 4998215 (VCV004998215.1).